The following is an entry in ClinVar:

NM_001113378.2(FANCI):c.2225G>C (p.Cys742Ser)

Gene: FANCI (FA complementation group I; plus strand). Cytogenetic location: 15q26.1.
Variant type: single nucleotide variant.
Coding change: c.2225G>C on transcript NM_001113378.2 (MANE Select); coding-DNA position 2225, G replaced by C.
Protein change: p.Cys742Ser; replaces cysteine 742 with serine.
Molecular consequence: missense variant.
Genome position (GRCh38, 1-based): chr15:89,292,997, G>C. VCF-style: chr15-89292997-G-C. GRCh37 (hg19) VCF-style: chr15-89836228-G-C.
Other names: c.1946G>C, p.Cys649Ser (NM_001376910.1); c.2225G>C, p.Cys742Ser (NM_001376911.1, NM_018193.3); short protein forms C742S, C649S.
Identifiers: ClinVar variation 257482 (VCV000257482.32), dbSNP rs2283432, ClinGen allele CA7723319.

ClinVar aggregate classification (germline): Benign/Likely benign. Review status: criteria provided, multiple submitters, no conflicts (2 of 4 stars). 10 submissions from 10 submitters: Benign (9); Likely benign (1). Last evaluated 2026-02-04.

Conditions:
Fanconi anemia (FA). Also called: Fanconi's anemia. Identifiers: Orphanet 84, MedGen C0015625, MeSH D005199, MONDO:0019391.
Fanconi anemia complementation group I (FANCI). Also called: FANCI-Related Fanconi Anemia. Identifiers: Orphanet 84, MedGen C1836861, MONDO:0012186, OMIM 609053.

Allele frequency attached by ClinVar (database versions not stated): 1000 Genomes Project 30x 0.26109; 1000 Genomes Project 0.26498; TOPMed 0.28427; ESP Exome Variant Server 0.28994; gnomAD 0.29667 and 0.30117.
gnomAD v4.1: 595,772 of 1,613,342 alleles (37%); highest among the groups gnomAD compares: South Asian, 39%; 114,402 homozygotes.

Submissions (10):

Labcorp Genetics (formerly Invitae), Labcorp
Classification: Benign for Fanconi anemia. Last evaluated: 2026-02-04. Review status: criteria provided, single submitter. Criteria: Invitae Variant Classification Sherloc (09022015). Collection method: clinical testing. Allele origin: germline.

ARUP Laboratories, Molecular Genetics and Genomics, ARUP Laboratories
Classification: Benign for Fanconi anemia complementation group I. Last evaluated: 2025-07-28. Review status: criteria provided, single submitter. Criteria: ARUP Molecular Germline Variant Investigation Process 2024. Collection method: clinical testing. Allele origin: germline.

Blueprint Genetics
Classification: Likely benign. Last evaluated: 2024-11-27. Review status: criteria provided, single submitter. Criteria: ACMG Guidelines, 2015. Collection method: clinical testing. Allele origin: germline.

KCCC/NGS Laboratory, Kuwait Cancer Control Center
Classification: Benign for Fanconi anemia complementation group I. Last evaluated: 2023-07-07. Review status: criteria provided, single submitter. Criteria: ACMG Guidelines, 2015. Collection method: clinical testing. Allele origin: germline. Affected: yes.

Mayo Clinic Laboratories, Mayo Clinic
Classification: Benign. Last evaluated: 2022-09-06. Review status: criteria provided, single submitter. Criteria: ACMG Guidelines, 2015. Collection method: clinical testing. Allele origin: germline. Observed: 30 variant alleles.

Genome-Nilou Lab
Classification: Benign for Fanconi anemia complementation group I. Last evaluated: 2021-08-10. Review status: criteria provided, single submitter. Criteria: ACMG Guidelines, 2015. Collection method: clinical testing. Allele origin: germline. Affected: no.

GeneDx
Classification: Benign. Last evaluated: 2018-07-05. Review status: criteria provided, single submitter. Criteria: GeneDx Variant Classification Process June 2021. Collection method: clinical testing. Allele origin: germline. Affected: yes.

Illumina Laboratory Services, Illumina
Classification: Benign for Fanconi anemia complementation group I. Last evaluated: 2018-01-13. Review status: criteria provided, single submitter. Criteria: ICSL Variant Classification Criteria 13 December 2019. Collection method: clinical testing. Allele origin: germline.
Comment: This variant was observed in the ICSL laboratory as part of a predisposition screen in an ostensibly healthy population. It had not been previously curated by ICSL or reported in the Human Gene Mutation Database (HGMD: prior to June 1st, 2018), and was therefore a candidate for classification through an automated scoring system. Utilizing variant allele frequency, disease prevalence and penetrance estimates, and inheritance mode, an automated score was calculated to assess if this variant is too frequent to cause the disease. Based on the score and internal cut-off values, a variant classified as benign is not then subjected to further curation. The score for this variant resulted in a classification of benign for this disease.

Breakthrough Genomics
Classification: Benign. Review status: criteria provided, single submitter. Criteria: ACMG Guidelines, 2015. Collection method: not provided. Allele origin: germline. Inheritance: Autosomal recessive inheritance. Affected: yes.

PreventionGenetics, part of Exact Sciences
Classification: Benign. Review status: criteria provided, single submitter. Criteria: ACMG Guidelines, 2015. Collection method: clinical testing. Allele origin: germline.